The following is an entry in ClinVar:

NM_000264.5(PTCH1):c.143A>C (p.Asp48Ala)

Genes: PTCH1 (patched 1; minus strand), LOC130002133 (ATAC-STARR-seq lymphoblastoid silent region 20071; plus strand). Cytogenetic location: 9q22.32.
Variant type: single nucleotide variant.
Coding change: c.143A>C on transcript NM_000264.5 (MANE Select); coding-DNA position 143, A replaced by C.
Protein change: p.Asp48Ala; replaces aspartic acid 48 with alanine.
Molecular consequence: missense variant. On other transcripts: non-coding transcript variant (1), intron variant (3).
Genome position (GRCh38, 1-based): chr9:95,508,219, T>G on the plus strand (A>C on the coding strand, the complement: PTCH1 is on the minus strand). VCF-style: chr9-95508219-T-G. GRCh37 (hg19) VCF-style: chr9-98270501-T-G.
Other names: c.143A>C, p.Asp48Ala (NM_001354918.2); c.199-1620A>C (NM_001083603.3); c.4-1620A>C (NM_001083602.3, NM_001354919.2); short protein forms D48A.
Identifiers: ClinVar variation 1772669 (VCV001772669.4), dbSNP rs2118907486, ClinGen allele CA374121362.

ClinVar aggregate classification (germline): Uncertain significance. Review status: criteria provided, multiple submitters, no conflicts (2 of 4 stars). 2 submissions from 2 submitters: Uncertain significance (2). Last evaluated 2025-11-27.

Conditions:
Gorlin syndrome. Also called: Nevoid Basal Cell Carcinoma Syndrome; Basal cell nevus syndrome. Identifiers: Orphanet 377, MedGen C0004779, MONDO:0007187.
Hereditary cancer-predisposing syndrome. Also called: Tumor predisposition; Neoplastic Syndromes, Hereditary; Hereditary Cancer Syndrome; Hereditary neoplastic syndrome. Identifiers: Orphanet 140162, MedGen C0027672, MeSH D009386, MONDO:0015356.

Submissions (2):

Labcorp Genetics (formerly Invitae), Labcorp
Classification: Uncertain significance for Gorlin syndrome. Last evaluated: 2025-11-27. Review status: criteria provided, single submitter. Criteria: Invitae Variant Classification Sherloc (09022015). Collection method: clinical testing. Allele origin: germline.
Comment: This sequence change replaces aspartic acid, which is acidic and polar, with alanine, which is neutral and non-polar, at codon 48 of the PTCH1 protein (p.Asp48Ala). This variant is not present in population databases (gnomAD no frequency). This variant has not been reported in the literature in individuals affected with PTCH1-related conditions. ClinVar contains an entry for this variant (Variation ID: 1772669). Invitae Evidence Modeling of protein sequence and biophysical properties (such as structural, functional, and spatial information, amino acid conservation, physicochemical variation, residue mobility, and thermodynamic stability) has been performed for this missense variant. However, the output from this modeling did not meet the statistical confidence thresholds required to predict the impact of this variant on PTCH1 protein function. In summary, the available evidence is currently insufficient to determine the role of this variant in disease. Therefore, it has been classified as a Variant of Uncertain Significance.

Ambry Genetics
Classification: Uncertain significance for Hereditary cancer-predisposing syndrome. Last evaluated: 2022-10-22. Review status: criteria provided, single submitter. Criteria: Ambry Variant Classification Scheme 2023. Collection method: clinical testing. Allele origin: germline.
Comment: The p.D48A variant (also known as c.143A>C), located in coding exon 1 of the PTCH1 gene, results from an A to C substitution at nucleotide position 143. The aspartic acid at codon 48 is replaced by alanine, an amino acid with dissimilar properties. This amino acid position is conserved. In addition, the in silico prediction for this alteration is inconclusive. Since supporting evidence is limited at this time, the clinical significance of this alteration remains unclear.